The following is an entry in ClinVar:

NM_000257.4(MYH7):c.134A>G (p.Glu45Gly)

Gene: MYH7 (myosin heavy chain 7; minus strand). Cytogenetic location: 14q11.2.
Variant type: single nucleotide variant.
Coding change: c.134A>G on transcript NM_000257.4 (MANE Select); coding-DNA position 134, A replaced by G.
Protein change: p.Glu45Gly; replaces glutamic acid 45 with glycine.
Molecular consequence: missense variant.
Genome position (GRCh38, 1-based): chr14:23,433,599, T>C on the plus strand (A>G on the coding strand, the complement: MYH7 is on the minus strand). VCF-style: chr14-23433599-T-C. GRCh37 (hg19) VCF-style: chr14-23902808-T-C.
Other names: c.134A>G (LRG_384t1); short protein forms E45G.
Identifiers: ClinVar variation 220106 (VCV000220106.8), dbSNP rs864622383, ClinGen allele CA350127.

ClinVar aggregate classification (germline): Uncertain significance (1 of 4 stars; one submission).

Conditions:
Hypertrophic cardiomyopathy. Also called: HYPERTROPHIC MYOCARDIOPATHY. Identifiers: Orphanet 217569, MedGen C0007194, MeSH D002312, MONDO:0005045, HP:0001639.

Submission:

Labcorp Genetics (formerly Invitae), Labcorp
Classification: Uncertain significance for Hypertrophic cardiomyopathy. Last evaluated: 2024-08-04. Review status: criteria provided, single submitter. Criteria: Invitae Variant Classification Sherloc (09022015). Collection method: clinical testing. Allele origin: germline.
Comment: This sequence change replaces glutamic acid, which is acidic and polar, with glycine, which is neutral and non-polar, at codon 45 of the MYH7 protein (p.Glu45Gly). This variant is not present in population databases (gnomAD no frequency). This missense change has been observed in individual(s) with hypertrophic cardiomyopathy (PMID: 30297972). ClinVar contains an entry for this variant (Variation ID: 220106). Advanced modeling of protein sequence and biophysical properties (such as structural, functional, and spatial information, amino acid conservation, physicochemical variation, residue mobility, and thermodynamic stability) performed at Invitae indicates that this missense variant is not expected to disrupt MYH7 protein function with a negative predictive value of 95%. In summary, the available evidence is currently insufficient to determine the role of this variant in disease. Therefore, it has been classified as a Variant of Uncertain Significance.

Literature cited by the submitters: PubMed 30297972.